The following is an entry in ClinVar:

Conditions:
Arteriohepatic dysplasia. Also called: Alagille Syndrome. Identifiers: Orphanet 52, MedGen C0085280, MeSH D016738, MONDO:0007318.

Submission:

Gilbert/Spinner Lab, Children's Hospital of Philadelphia
No classification provided (evidence only). Condition: Alagille syndrome. Review status: no classification provided. Collection method: research. Allele origin: not applicable. Functional consequence: functionally_abnormal.
ClinVar note: "not provided" was previously submitted as the classification for the variant. However, the classification appeared to be based only on an observation of functional data so it was converted to no classification on 2025-07-30.

NM_000214.3(JAG1):c.886G>T (p.Asp296Tyr)

Gene: JAG1 (jagged canonical Notch ligand 1; minus strand). Cytogenetic location: 20p12.2.
Variant type: single nucleotide variant.
Coding change: c.886G>T on transcript NM_000214.3 (MANE Select); coding-DNA position 886, G replaced by T.
Protein change: p.Asp296Tyr; replaces aspartic acid 296 with tyrosine.
Molecular consequence: missense variant.
Genome position (GRCh38, 1-based): chr20:10,652,468, C>A on the plus strand (G>T on the coding strand, the complement: JAG1 is on the minus strand). VCF-style: chr20-10652468-C-A. GRCh37 (hg19) VCF-style: chr20-10633116-C-A.
Other names: short protein forms D296Y.
Identifiers: ClinVar variation 3573164 (VCV003573164.2).
Genomic context (GRCh38, chr20:10,652,468, plus strand): 5'-CCAAATTAGTGCCATCCCACCCCCAGATCCCACCCTGGGTCTCATCCCTAAGGGCCATAC[C>A]TTTGTCACAGAGCTGGCCGCCCCAGTTGGTCTCACAGAGGCACTGCCAGGGCTCATTACA-3'
Protein context (NP_000205.1, residues 286-306): TNWGGQLCDK[Asp296Tyr]LNYCGTHQPC